The following is an entry in ClinVar:

NM_001184.4(ATR):c.1876G>C (p.Asp626His)

Gene: ATR (ATR checkpoint kinase; minus strand). Cytogenetic location: 3q23.
Variant type: single nucleotide variant.
Coding change: c.1876G>C on transcript NM_001184.4 (MANE Select); coding-DNA position 1876, G replaced by C.
Protein change: p.Asp626His; replaces aspartic acid 626 with histidine.
Molecular consequence: missense variant.
Genome position (GRCh38, 1-based): chr3:142,558,633, C>G on the plus strand (G>C on the coding strand, the complement: ATR is on the minus strand). VCF-style: chr3-142558633-C-G. GRCh37 (hg19) VCF-style: chr3-142277475-C-G.
Other names: c.1684G>C, p.Asp562His (NM_001354579.2); short protein forms D562H, D626H.
Identifiers: ClinVar variation 1781788 (VCV001781788.2), dbSNP rs2108477160, ClinGen allele CA354820732.
Genomic context (GRCh38, chr3:142,558,633, plus strand): 5'-GATAGATAGATAAATAAAACAAACCACACACACATTCTTGTGAGCACTTACAATAGCTAT[C>G]TGAAATCCTACAGCTTAATGTTAGAAGATTAGCGGCAAATGTGGTCAACTTTAAACAGCC-3'
Protein context (NP_001175.2, residues 616-636): NLLTLSCRIS[Asp626His]SYSPQAQSRC

ClinVar aggregate classification (germline): Uncertain significance (1 of 4 stars; one submission).

Conditions:
Inborn genetic diseases. Identifiers: MedGen C0950123, MeSH D030342.

Submission:

Ambry Genetics
Classification: Uncertain significance for Inborn genetic diseases. Last evaluated: 2022-08-06. Review status: criteria provided, single submitter. Criteria: Ambry Variant Classification Scheme 2023. Collection method: clinical testing. Allele origin: germline.
Comment: The p.D626H variant (also known as c.1876G>C), located in coding exon 8 of the ATR gene, results from a G to C substitution at nucleotide position 1876. The aspartic acid at codon 626 is replaced by histidine, an amino acid with similar properties. This amino acid position is conserved. In addition, this alteration is predicted to be tolerated by in silico analysis. Since supporting evidence is limited at this time, the clinical significance of this alteration remains unclear.